The following is an entry in ClinVar:

NM_025243.4(SLC19A3):c.185C>T (p.Ser62Phe)

Gene: SLC19A3 (solute carrier family 19 member 3; minus strand). Cytogenetic location: 2q36.3.
Variant type: single nucleotide variant.
Coding change: c.185C>T on transcript NM_025243.4 (MANE Select); coding-DNA position 185, C replaced by T.
Protein change: p.Ser62Phe; replaces serine 62 with phenylalanine.
Molecular consequence: missense variant.
Genome position (GRCh38, 1-based): chr2:227,699,530, G>A on the plus strand (C>T on the coding strand, the complement: SLC19A3 is on the minus strand). VCF-style: chr2-227699530-G-A. GRCh37 (hg19) VCF-style: chr2-228564246-G-A.
Other names: c.185C>T, p.Ser62Phe (NM_001371411.1, NM_001371412.1); c.173C>T, p.Ser58Phe (NM_001371413.1, NM_001371414.1); short protein forms S58F, S62F.
Identifiers: ClinVar variation 1394616 (VCV001394616.3), dbSNP rs1266097365, ClinGen allele CA350877748.

ClinVar aggregate classification (germline): Uncertain significance (1 of 4 stars; one submission).

Conditions:
Biotin-responsive basal ganglia disease (BTBGD). Also called: THIAMINE METABOLISM DYSFUNCTION SYNDROME 2 (BIOTIN- AND THIAMINE-RESPONSIVE TYPE); Thiamine Transporter-2 Deficiency; Thiamine metabolism dysfunction syndrome 2 (biotin- or thiamine-responsive encephalopathy type 2); thiamine-responsive encephalopathy; Thiamine metabolism dysfunction syndrome type 2. Identifiers: Orphanet 199348, Orphanet 65284, MedGen C1843807, MONDO:0011841, OMIM 607483.

Allele frequency attached by ClinVar (database versions not stated): TOPMed below 0.00001.

Submission:

Labcorp Genetics (formerly Invitae), Labcorp
Classification: Uncertain significance for Biotin-responsive basal ganglia disease. Last evaluated: 2021-11-23. Review status: criteria provided, single submitter. Criteria: Invitae Variant Classification Sherloc (09022015). Collection method: clinical testing. Allele origin: germline.
Comment: This sequence change replaces serine, which is neutral and polar, with phenylalanine, which is neutral and non-polar, at codon 62 of the SLC19A3 protein (p.Ser62Phe). This variant is present in population databases (no rsID available, gnomAD 0.007%). This variant has not been reported in the literature in individuals affected with SLC19A3-related conditions. Advanced modeling of protein sequence and biophysical properties (such as structural, functional, and spatial information, amino acid conservation, physicochemical variation, residue mobility, and thermodynamic stability) performed at Invitae indicates that this missense variant is expected to disrupt SLC19A3 protein function. In summary, the available evidence is currently insufficient to determine the role of this variant in disease. Therefore, it has been classified as a Variant of Uncertain Significance.